The following is an entry in ClinVar:

NM_003024.3(ITSN1):c.565G>T (p.Gly189Cys)

Gene: ITSN1 (intersectin 1; plus strand). Cytogenetic location: 21q22.11.
Variant type: single nucleotide variant.
Coding change: c.565G>T on transcript NM_003024.3 (MANE Select); coding-DNA position 565, G replaced by T.
Protein change: p.Gly189Cys; replaces glycine 189 with cysteine.
Molecular consequence: missense variant.
Genome position (GRCh38, 1-based): chr21:33,751,848, G>T. VCF-style: chr21-33751848-G-T. GRCh37 (hg19) VCF-style: chr21-35124153-G-T.
Other names: c.565G>T, p.Gly189Cys (NM_001001132.2, NM_001331008.2, NM_001331009.2 and 2 more transcripts); c.454G>T, p.Gly152Cys (NM_001331012.2); short protein forms G152C, G189C.
Identifiers: ClinVar variation 5008054 (VCV005008054.1).
Genomic context (GRCh38, chr21:33,751,848, plus strand): 5'-TATTCAACATTTATTTTTACAGCAGCCACATTGCCAAAGAGTTCTTCCTTTAGTAGATCT[G>T]GTCCAGGGTCACAACTAAACACTAAATTACAAAAGGCACAGTCATTTGATGTGGCCAGGT-3'
Protein context (NP_003015.2, residues 179-199): LPKSSSFSRS[Gly189Cys]PGSQLNTKLQ

ClinVar aggregate classification (germline): Uncertain significance (1 of 4 stars; one submission).

Submission:

GeneDx
Classification: Uncertain significance. Last evaluated: 2026-02-12. Review status: criteria provided, single submitter. Criteria: GeneDx Variant Classification Process June 2021. Collection method: clinical testing. Allele origin: germline.
Comment: Not observed at significant frequency in large population cohorts (gnomAD); In silico analysis supports that this missense variant has a deleterious effect on protein structure/function; Has not been previously published as pathogenic or benign to our knowledge